The following is an entry in ClinVar:

ClinVar aggregate classification (germline): Uncertain significance (1 of 4 stars; one submission).

Conditions:
Epidermolysis bullosa simplex with nail dystrophy (EBS5D). Identifiers: MedGen C4225309, MONDO:0014661, OMIM 616487.
Autosomal recessive limb-girdle muscular dystrophy type 2Q (LGMDR17). Also called: MUSCULAR DYSTROPHY, LIMB-GIRDLE, AUTOSOMAL RECESSIVE 17. Identifiers: Orphanet 254361, MedGen C3150989, MONDO:0013390, OMIM 613723.
Epidermolysis bullosa simplex 5B, with muscular dystrophy (EBS5B). Also called: Epidermolysis bullosa simplex with muscular dystrophy; EPIDERMOLYSIS BULLOSA SIMPLEX AND LIMB-GIRDLE MUSCULAR DYSTROPHY. Identifiers: Orphanet 257, MedGen C2931072, MONDO:0009181, OMIM 226670.
Epidermolysis bullosa simplex 5C, with pyloric atresia (EBS5C). Also called: PLEC-Related Epidermolysis Bullosa with Pyloric Atresia; Epidermolysis bullosa simplex with pyloric atresia; PLEC1-Related Epidermolysis Bullosa with Pyloric Atresia. Identifiers: Orphanet 158684, MedGen C2677349, MONDO:0012807, OMIM 612138.
Epidermolysis bullosa simplex, Ogna type (EBS5A). Also called: Pidermolysis bullosa simplex 5A, Ogna type; EPIDERMOLYSIS BULLOSA SIMPLEX 5A, OGNA TYPE. Identifiers: Orphanet 79401, MedGen C0432317, MONDO:0007555, OMIM 131950.

gnomAD v4.1: 1 of 1,612,604 alleles (0.000062%); highest among the groups gnomAD compares: Non-Finnish European, 0.000085%; no homozygotes.

Submission:

Labcorp Genetics (formerly Invitae), Labcorp
Classification: Uncertain significance for Autosomal recessive limb-girdle muscular dystrophy type 2Q; Epidermolysis bullosa simplex, Ogna type; Epidermolysis bullosa simplex with nail dystrophy; Epidermolysis bullosa simplex 5C, with pyloric atresia; Epidermolysis bullosa simplex 5B, with muscular dystrophy. Last evaluated: 2024-04-22. Review status: criteria provided, single submitter. Criteria: Invitae Variant Classification Sherloc (09022015). Collection method: clinical testing. Allele origin: germline.
Comment: This sequence change replaces isoleucine, which is neutral and non-polar, with valine, which is neutral and non-polar, at codon 132 of the PLEC protein (p.Ile132Val). This variant is not present in population databases (gnomAD no frequency). This variant has not been reported in the literature in individuals affected with PLEC-related conditions. Experimental studies and prediction algorithms are not available or were not evaluated, and the functional significance of this variant is currently unknown. In summary, the available evidence is currently insufficient to determine the role of this variant in disease. Therefore, it has been classified as a Variant of Uncertain Significance.

NM_201384.3(PLEC):c.313A>G (p.Ile105Val)

Gene: PLEC (plectin; minus strand). Cytogenetic location: 8q24.3.
Variant type: single nucleotide variant.
Coding change: c.313A>G on transcript NM_201384.3 (MANE Select); coding-DNA position 313, A replaced by G.
Protein change: p.Ile105Val; replaces isoleucine 105 with valine.
Molecular consequence: missense variant.
Genome position (GRCh38, 1-based): chr8:143,937,194, T>C on the plus strand (A>G on the coding strand, the complement: PLEC is on the minus strand). VCF-style: chr8-143937194-T-C. GRCh37 (hg19) VCF-style: chr8-145011362-T-C.
Other names: c.394A>G, p.Ile132Val (NM_000445.5, NM_001410941.1); c.271A>G, p.Ile91Val (NM_201378.4); c.247A>G, p.Ile83Val (NM_201379.3); c.724A>G, p.Ile242Val (NM_201380.4); c.217A>G, p.Ile73Val (NM_201381.3); c.313A>G, p.Ile105Val (NM_201382.4); c.325A>G, p.Ile109Val (NM_201383.3); short protein forms I105V, I109V, I132V, I242V, I73V, I83V, I91V.
Identifiers: ClinVar variation 3750410 (VCV003750410.2).